The following is an entry in ClinVar:

ClinVar aggregate classification (germline): Uncertain significance (1 of 4 stars; one submission).

gnomAD v4.1: 1 of 1,613,158 alleles (0.000062%); highest among the groups gnomAD compares: Non-Finnish European, 0.000085%; no homozygotes.

Submission:

Labcorp Genetics (formerly Invitae), Labcorp
Classification: Uncertain significance. Last evaluated: 2022-07-19. Review status: criteria provided, single submitter. Criteria: Invitae Variant Classification Sherloc (09022015). Collection method: clinical testing. Allele origin: germline.
Comment: Algorithms developed to predict the effect of missense changes on protein structure and function (SIFT, PolyPhen-2, Align-GVGD) all suggest that this variant is likely to be tolerated. In summary, the available evidence is currently insufficient to determine the role of this variant in disease. Therefore, it has been classified as a Variant of Uncertain Significance. This sequence change replaces glutamic acid, which is acidic and polar, with lysine, which is basic and polar, at codon 395 of the ERCC8 protein (p.Glu395Lys). ClinVar contains an entry for this variant (Variation ID: 1400566). This variant has not been reported in the literature in individuals affected with ERCC8-related conditions. This variant is not present in population databases (gnomAD no frequency).

NM_000082.4(ERCC8):c.1183G>A (p.Glu395Lys)

Gene: ERCC8 (ERCC excision repair 8, CSA ubiquitin ligase complex subunit; minus strand). Cytogenetic location: 5q12.1.
Variant type: single nucleotide variant.
Coding change: c.1183G>A on transcript NM_000082.4 (MANE Select); coding-DNA position 1183, G replaced by A.
Protein change: p.Glu395Lys; replaces glutamic acid 395 with lysine.
Molecular consequence: missense variant.
Genome position (GRCh38, 1-based): chr5:60,874,623, C>T on the plus strand (G>A on the coding strand, the complement: ERCC8 is on the minus strand). VCF-style: chr5-60874623-C-T. GRCh37 (hg19) VCF-style: chr5-60170450-C-T.
Other names: c.1009G>A, p.Glu337Lys (NM_001007233.3); c.724G>A, p.Glu242Lys (NM_001290285.2); short protein forms E242K, E337K, E395K.
Identifiers: ClinVar variation 1400566 (VCV001400566.7), dbSNP rs1450986229, ClinGen allele CA359820473.